The following is an entry in ClinVar:

NM_000528.4(MAN2B1):c.2572C>T (p.Leu858Phe)

Gene: MAN2B1 (mannosidase alpha class 2B member 1; minus strand). Cytogenetic location: 19p13.13.
Variant type: single nucleotide variant.
Coding change: c.2572C>T on transcript NM_000528.4 (MANE Select); coding-DNA position 2572, C replaced by T.
Protein change: p.Leu858Phe; replaces leucine 858 with phenylalanine.
Molecular consequence: missense variant.
Genome position (GRCh38, 1-based): chr19:12,648,267, G>A on the plus strand (C>T on the coding strand, the complement: MAN2B1 is on the minus strand). VCF-style: chr19-12648267-G-A. GRCh37 (hg19) VCF-style: chr19-12759081-G-A.
Other names: c.2569C>T, p.Leu857Phe (NM_001173498.2); short protein forms L857F, L858F.
Identifiers: ClinVar variation 2838272 (VCV002838272.3), dbSNP rs2512486564, ClinGen allele CA404239823.

ClinVar aggregate classification (germline): Uncertain significance (1 of 4 stars; one submission).

Conditions:
Deficiency of alpha-mannosidase (MANSA). Also called: Alpha-Mannosidosis; LYSOSOMAL ALPHA-D-MANNOSIDASE DEFICIENCY; Mannosidosis, alpha-, types I and II. Identifiers: Orphanet 61, MedGen C0024748, MONDO:0009561, OMIM 248500.

Submission:

Labcorp Genetics (formerly Invitae), Labcorp
Classification: Uncertain significance for Deficiency of alpha-mannosidase. Last evaluated: 2025-03-31. Review status: criteria provided, single submitter. Criteria: Invitae Variant Classification Sherloc (09022015). Collection method: clinical testing. Allele origin: germline.
Comment: This sequence change replaces leucine, which is neutral and non-polar, with phenylalanine, which is neutral and non-polar, at codon 858 of the MAN2B1 protein (p.Leu858Phe). This variant is not present in population databases (gnomAD no frequency). This variant has not been reported in the literature in individuals affected with MAN2B1-related conditions. ClinVar contains an entry for this variant (Variation ID: 2838272). Invitae Evidence Modeling of protein sequence and biophysical properties (such as structural, functional, and spatial information, amino acid conservation, physicochemical variation, residue mobility, and thermodynamic stability) indicates that this missense variant is not expected to disrupt MAN2B1 protein function with a negative predictive value of 95%. In summary, the available evidence is currently insufficient to determine the role of this variant in disease. Therefore, it has been classified as a Variant of Uncertain Significance.